The following is an entry in ClinVar:

ClinVar aggregate classification (germline): Uncertain significance (1 of 4 stars; one submission).

Conditions:
Werner syndrome (WRN). Identifiers: Orphanet 902, MedGen C0043119, MONDO:0010196, OMIM 277700.

Submission:

Labcorp Genetics (formerly Invitae), Labcorp
Classification: Uncertain significance for Werner syndrome. Last evaluated: 2023-10-14. Review status: criteria provided, single submitter. Criteria: Invitae Variant Classification Sherloc (09022015). Collection method: clinical testing. Allele origin: germline.
Comment: This sequence change replaces asparagine, which is neutral and polar, with isoleucine, which is neutral and non-polar, at codon 20 of the WRN protein (p.Asn20Ile). This variant is not present in population databases (gnomAD no frequency). This variant has not been reported in the literature in individuals affected with WRN-related conditions. ClinVar contains an entry for this variant (Variation ID: 528138). An algorithm developed to predict the effect of missense changes on protein structure and function (PolyPhen-2) suggests that this variant is likely to be tolerated. In summary, the available evidence is currently insufficient to determine the role of this variant in disease. Therefore, it has been classified as a Variant of Uncertain Significance.

NM_000553.6(WRN):c.59A>T (p.Asn20Ile)

Gene: WRN (WRN RecQ like helicase; plus strand). Cytogenetic location: 8p12.
Variant type: single nucleotide variant.
Coding change: c.59A>T on transcript NM_000553.6 (MANE Select); coding-DNA position 59, A replaced by T.
Protein change: p.Asn20Ile; replaces asparagine 20 with isoleucine.
Molecular consequence: missense variant.
Genome position (GRCh38, 1-based): chr8:31,058,506, A>T. VCF-style: chr8-31058506-A-T. GRCh37 (hg19) VCF-style: chr8-30916022-A-T.
Other names: short protein forms N20I.
Identifiers: ClinVar variation 528138 (VCV000528138.5), dbSNP rs1554518179, ClinGen allele CA370912195.